The following is an entry in ClinVar:

ClinVar aggregate classification (germline): Conflicting classifications of pathogenicity. Review status: criteria provided, conflicting classifications (1 of 4 stars). 8 submissions from 8 submitters: Likely pathogenic (1); Uncertain significance (6); Likely benign (1). Last evaluated 2026-01-25.

Conditions:
Hereditary cancer-predisposing syndrome. Also called: Tumor predisposition; Hereditary neoplastic syndrome; Neoplastic Syndromes, Hereditary; Hereditary Cancer Syndrome. Identifiers: Orphanet 140162, MedGen C0027672, MeSH D009386, MONDO:0015356.
Multiple endocrine neoplasia, type 1 (MEN1). Also called: Endocrine adenomatosis multiple; MEN 1; MEN I; WERMER SYNDROME; MEA I. Identifiers: Orphanet 652, MedGen C0025267, MeSH D018761, MONDO:0007540, OMIM 131100.

gnomAD v4.1: 3 of 1,614,136 alleles (0.00019%); highest among the groups gnomAD compares: East Asian, 0.0022%; no homozygotes.

Submissions (8):

Labcorp Genetics (formerly Invitae), Labcorp
Classification: Likely benign for Multiple endocrine neoplasia, type 1. Last evaluated: 2026-01-25. Review status: criteria provided, single submitter. Criteria: Invitae Variant Classification Sherloc (09022015). Collection method: clinical testing. Allele origin: germline.

Color Diagnostics, LLC DBA Color Health
Classification: Uncertain significance for Multiple endocrine neoplasia, type 1. Last evaluated: 2025-08-12. Review status: criteria provided, single submitter. Criteria: ACMG Guidelines, 2015. Collection method: clinical testing. Allele origin: germline.
Comment: This missense variant replaces alanine with threonine at codon 176 of the MEN1 protein. Computational prediction suggests that this variant may have deleterious impact on protein structure and function. To our knowledge, functional studies have not been reported for this variant nor has this variant been reported as a germline mutation in individuals affected with hereditary cancer in the literature. This variant has been identified in 1/251222 chromosomes in the general population by the Genome Aggregation Database (gnomAD). A different missense variant at this codon, p.Ala176Pro, is reported to be disease-causing (ClinVar variation ID: 200975). The available evidence is insufficient to determine the role of this variant in disease conclusively. Therefore, this variant is classified as a Variant of Uncertain Significance.

Center for Genomic Medicine, Rigshospitalet, Copenhagen University Hospital
Classification: Likely pathogenic. Last evaluated: 2025-03-04. Review status: criteria provided, single submitter. Criteria: ACMG Guidelines, 2015. Collection method: clinical testing. Allele origin: germline.

Baylor Genetics
Classification: Uncertain significance for Multiple Endocrine Neoplasia Type 1. Last evaluated: 2024-03-14. Review status: criteria provided, single submitter. Criteria: ACMG Guidelines, 2015. Collection method: clinical testing. Allele origin: unknown.

Ambry Genetics
Classification: Uncertain significance for Hereditary cancer-predisposing syndrome. Last evaluated: 2023-10-06. Review status: criteria provided, single submitter. Criteria: Ambry Variant Classification Scheme 2023. Collection method: clinical testing. Allele origin: germline.
Comment: The p.A176T variant (also known as c.526G>A), located in coding exon 2 of the MEN1 gene, results from a G to A substitution at nucleotide position 526. The alanine at codon 176 is replaced by threonine, an amino acid with similar properties. This amino acid position is highly conserved in available vertebrate species. In addition, this alteration is predicted to be deleterious by in silico analysis. Since supporting evidence is limited at this time, the clinical significance of this alteration remains unclear.

All of Us Research Program, National Institutes of Health
Classification: Uncertain significance for Multiple endocrine neoplasia, type 1. Last evaluated: 2023-08-15. Review status: criteria provided, single submitter. Criteria: ACMG Guidelines, 2015. Collection method: clinical testing. Allele origin: germline. Inheritance: Autosomal dominant inheritance. Observed: 1 variant allele, 1 heterozygote.
Comment: This missense variant replaces alanine with threonine at codon 176 of the MEN1 protein. Computational prediction suggests that this variant may have deleterious impact on protein structure and function (internally defined REVEL score threshold >= 0.7, PMID: 27666373). To our knowledge, functional studies have not been reported for this variant nor has this variant been reported as a germline mutation in individuals affected with hereditary cancer in the literature. A different missense variant at this codon, p.Ala176Pro, is considered disease-causing in ClinVar (variation ID 200975) and has been detected in a family affected with MEN1 (PMID: 9215689) and functional studies have shown the p.Ala176Pro variant to be unstable and exhibited loss of function in the binding and regulation of JunD and in homology-directed repair and response to DNA damage (PMID: 9989505, 11221882, 12509449, 22090276, 23648481). This variant has been identified in 1/251222 chromosomes in the general population by the Genome Aggregation Database (gnomAD). The available evidence is insufficient to determine the role of this variant in disease conclusively. Therefore, this variant is classified as a Variant of Uncertain Significance.

This study involves interpretation of variants in research participants for the purpose of population health screening. Participant phenotype was not available at the time of variant classification. Additional details can be found in publication PMID: 35346344, PMCID: PMC8962531

Blueprint Genetics
Classification: Uncertain significance. Last evaluated: 2023-05-12. Review status: criteria provided, single submitter. Criteria: ACMG Guidelines, 2015. Collection method: clinical testing. Allele origin: germline.

GeneDx
Classification: Uncertain significance. Last evaluated: 2023-02-01. Review status: criteria provided, single submitter. Criteria: GeneDx Variant Classification Process June 2021. Collection method: clinical testing. Allele origin: germline. Affected: yes.
Comment: Not observed at significant frequency in large population cohorts (gnomAD); In silico analysis supports that this missense variant has a deleterious effect on protein structure/function; Has not been previously published as pathogenic or benign to our knowledge; This variant is associated with the following publications: (PMID: 9989505, 28454119, 23648481, 22090276, 11221882, 12509449, 9215689)

Literature cited by the submitters: PubMed 36685941 (cited by Center for Genomic Medicine, Rigshospitalet, Copenhagen University Hospital); PubMed 9215689 (cited by Center for Genomic Medicine, Rigshospitalet, Copenhagen University Hospital and All of Us Research Program, National Institutes of Health); PubMed 30820182 (cited by Center for Genomic Medicine, Rigshospitalet, Copenhagen University Hospital); PubMed 22090276 (cited by Center for Genomic Medicine, Rigshospitalet, Copenhagen University Hospital and All of Us Research Program, National Institutes of Health); PubMed 9989505 (cited by All of Us Research Program, National Institutes of Health); PubMed 11221882 (cited by All of Us Research Program, National Institutes of Health); PubMed 12509449 (cited by All of Us Research Program, National Institutes of Health); PubMed 23648481 (cited by All of Us Research Program, National Institutes of Health).

NM_001370259.2(MEN1):c.526G>A (p.Ala176Thr)

Gene: MEN1 (menin 1; minus strand). Cytogenetic location: 11q13.1.
Variant type: single nucleotide variant.
Coding change: c.526G>A on transcript NM_001370259.2 (MANE Select); coding-DNA position 526, G replaced by A.
Protein change: p.Ala176Thr; replaces alanine 176 with threonine.
Molecular consequence: missense variant.
Genome position (GRCh38, 1-based): chr11:64,808,019, C>T on the plus strand (G>A on the coding strand, the complement: MEN1 is on the minus strand). VCF-style: chr11-64808019-C-T. GRCh37 (hg19) VCF-style: chr11-64575491-C-T.
Other names: c.541G>A, p.Ala181Thr (NM_000244.4, NM_130800.3, NM_130801.3 and 3 more transcripts); c.526G>A, p.Ala176Thr (NM_001370251.2, NM_001370260.2, NM_001370261.2 and 3 more transcripts); short protein forms A176T, A181T.
Identifiers: ClinVar variation 825603 (VCV000825603.16), dbSNP rs376872829, ClinGen allele CA381185958.